The following is an entry in ClinVar:

NM_005120.3(MED12):c.3982C>T (p.His1328Tyr)

Gene: MED12 (mediator complex subunit 12; plus strand). Cytogenetic location: Xq13.1.
Variant type: single nucleotide variant.
Coding change: c.3982C>T on transcript NM_005120.3 (MANE Select); coding-DNA position 3982, C replaced by T.
Protein change: p.His1328Tyr; replaces histidine 1328 with tyrosine.
Molecular consequence: missense variant.
Genome position (GRCh38, 1-based): chrX:71,130,149, C>T. VCF-style: chrX-71130149-C-T. GRCh37 (hg19) VCF-style: chrX-70349999-C-T.
Other names: c.3982C>T (NM_005120.2); short protein forms H1328Y.
Identifiers: ClinVar variation 3339726 (VCV003339726.2).

ClinVar aggregate classification (germline): Uncertain significance. Review status: criteria provided, multiple submitters, no conflicts (2 of 4 stars). 2 submissions from 2 submitters: Uncertain significance (2). Last evaluated 2025-02-24.

Submissions (2):

GeneDx
Classification: Uncertain significance. Last evaluated: 2025-02-24. Review status: criteria provided, single submitter. Criteria: GeneDx Variant Classification Process June 2021. Collection method: clinical testing. Allele origin: germline. Affected: yes.
Comment: Not observed at significant frequency in large population cohorts (gnomAD); In silico analysis supports that this missense variant has a deleterious effect on protein structure/function; Has not been previously published as pathogenic or benign to our knowledge

Women's Health and Genetics/Laboratory Corporation of America, LabCorp
Classification: Uncertain significance. Last evaluated: 2024-06-06. Review status: criteria provided, single submitter. Criteria: LabCorp Variant Classification Summary - May 2015. Collection method: clinical testing. Allele origin: germline.
Comment: Variant summary: MED12 c.3982C>T (p.His1328Tyr) results in a conservative amino acid change in the encoded protein sequence. Three of five in-silico tools predict a damaging effect of the variant on protein function. The variant was absent in 176005 control chromosomes. The available data on variant occurrences in the general population are insufficient to allow any conclusion about variant significance. To our knowledge, no occurrence of c.3982C>T in individuals affected with MED12-Related Disorders and no experimental evidence demonstrating its impact on protein function have been reported. No submitters have cited clinical-significance assessments for this variant to ClinVar. Based on the evidence outlined above, the variant was classified as uncertain significance.